The following is an entry in ClinVar:

ClinVar aggregate classification (germline): Pathogenic/Likely pathogenic. Review status: criteria provided, multiple submitters, no conflicts (2 of 4 stars). 10 submissions from 10 submitters: Pathogenic (3); Likely pathogenic (7). Last evaluated 2026-06-10.

Conditions:
BBS1-related disorder. Also called: BBS1-related condition.
Retinal dystrophy. Also called: Inherited retinal dystrophy. Identifiers: Orphanet 71862, MedGen C0854723, MeSH D058499, MONDO:0019118, HP:0000556.
Bardet-Biedl syndrome (BBS). Identifiers: Orphanet 110, MedGen C0752166, MONDO:0015229.
Bardet-Biedl syndrome 1 (BBS1). Identifiers: MedGen C2936862, MONDO:0008854, OMIM 209900. Disease mechanism: loss of function.

Allele frequency attached by ClinVar (database versions not stated): gnomAD exomes below 0.00001 and 0.00001; ExAC 0.00001; gnomAD 0.00002; TOPMed 0.00002.
gnomAD v4.1: 10 of 1,613,674 alleles (0.00062%); highest among the groups gnomAD compares: Non-Finnish European, 0.00085%; no homozygotes.

Submissions (10):

GeneDx
Classification: Pathogenic. Last evaluated: 2026-06-10. Review status: criteria provided, single submitter. Criteria: GeneDx Variant Classification Process June 2021. Collection method: clinical testing. Allele origin: germline.
Comment: In silico analysis supports that this missense variant has a deleterious effect on protein structure/function; Not observed at significant frequency in large population cohorts (gnomAD); This variant is associated with the following publications: (PMID: 31964843, 31951201, 25780760, 39462066, 39533427, 36460718, 37734845, 34906171, 39402987, 22773737, 39990901)

Labcorp Genetics (formerly Invitae), Labcorp
Classification: Pathogenic for Bardet-Biedl syndrome. Last evaluated: 2026-01-21. Review status: criteria provided, single submitter. Criteria: Invitae Variant Classification Sherloc (09022015). Collection method: clinical testing. Allele origin: germline.
Comment: This sequence change replaces glutamic acid, which is acidic and polar, with lysine, which is basic and polar, at codon 224 of the BBS1 protein (p.Glu224Lys). This variant is present in population databases (rs193922709, gnomAD 0.0009%). This missense change has been observed in individual(s) with BBS1-related conditions (PMID: 22773737; internal data). In at least one individual the data is consistent with being in trans (on the opposite chromosome) from a pathogenic variant. ClinVar contains an entry for this variant (Variation ID: 35753). Invitae Evidence Modeling of protein sequence and biophysical properties (such as structural, functional, and spatial information, amino acid conservation, physicochemical variation, residue mobility, and thermodynamic stability) indicates that this missense variant is expected to disrupt BBS1 protein function with a positive predictive value of 95%. For these reasons, this variant has been classified as Pathogenic.

Natera, Inc.
Classification: Likely pathogenic for Bardet-Biedl syndrome type 1. Last evaluated: 2025-10-09. Review status: criteria provided, single submitter. Criteria: Natera Variant Classification Schema (03/2026). Collection method: clinical testing. Allele origin: germline.
Comment: The c.670G>A variant in BBS1 is a missense variant predicted to cause substitution of glutamic acid to lysine at amino acid 224. This variant is rare in the general population with a frequency below the threshold expected for the associated phenotype(s). This variant has been observed in one or more individuals affected with the associated recessive disease, as either homozygous or compound heterozygous with a second variant (PMID: 39533427, 39462066, 22773737). Computational prediction algorithms indicate this variant is likely to affect gene or protein function. Given the available evidence, this variant is classified as Likely Pathogenic.

Women's Health and Genetics/Laboratory Corporation of America, LabCorp
Classification: Likely pathogenic for Bardet-Biedl syndrome. Last evaluated: 2025-06-24. Review status: criteria provided, single submitter. Criteria: LabCorp Variant Classification Summary - May 2015. Collection method: clinical testing. Allele origin: germline.
Comment: Variant summary: BBS1 c.670G>A (p.Glu224Lys) results in a conservative amino acid change located in the N-terminal domain (IPR032728) of the Bardet-Biedl syndrome 1 protein (BBS1) of the encoded protein sequence. Algorithms developed to predict the effect of missense changes on protein structure and function are either unavailable or do not agree on the potential impact of this missense change. The variant allele was found at a frequency of 4e-06 in 251258 control chromosomes. c.670G>A has been observed in individuals with clinical features suggestive of Bardet-Biedl Syndrome, primarily retinitis pigmentosa (e.g. Redin_2012, Lam_2021, Karali_2022, Weisschuh_2024, internal data). These data indicate that the variant is likely to be associated with disease. To our knowledge, no experimental evidence demonstrating an impact on protein function has been reported. The following publications have been ascertained in the context of this evaluation (PMID: 36460718, 34906171, 22773737, 37734845). ClinVar contains an entry for this variant (Variation ID: 35753). Based on the evidence outlined above, the variant was classified as likely pathogenic.

PreventionGenetics, part of Exact Sciences
Classification: Likely pathogenic for BBS1-related condition. Last evaluated: 2025-04-14. Review status: criteria provided, single submitter. Criteria: ACMG Guidelines, 2015. Collection method: clinical testing. Allele origin: germline.
Comment: The BBS1 c.670G>A variant is predicted to result in the amino acid substitution p.Glu224Lys. This variant has been reported in the homozygous and compound heterozygous states in multiple individuals with clinical features of Bardet-Biedl syndrome type 1 (BBS1) (Redin et al. 2012. PubMed ID: 22773737; Table S1, Weisschuh et al. 2024. PubMed ID: 37734845; PreventionGenetics internal data). This variant is reported in 0.0015% of alleles in individuals of European (non-Finnish) descent in gnomAD. This variant is interpreted as likely pathogenic.

Myriad Genetics, Inc.
Classification: Likely pathogenic for Bardet-Biedl syndrome 1. Last evaluated: 2025-03-13. Review status: criteria provided, single submitter. Criteria: Myriad Autosomal Dominant, Autosomal Recessive and X-Linked Classification Criteria (2023). Collection method: clinical testing. Allele origin: unknown.
Comment: NM_024649.4(BBS1):c.670G>A(E224K) is a missense variant classified as likely pathogenic in the context of Bardet-Biedl syndrome, BBS1-related. E224K has been observed in cases with relevant disease (PMID: 39990901, 33046855, Bruchle_2013_(Thesis), May_Simera_2007_(Thesis)). Relevant functional assessments of this variant are not available in the literature. E224K has been observed in referenced population frequency databases. In summary, NM_024649.4(BBS1):c.670G>A(E224K) is a missense variant that has been observed more frequently in cases with the relevant disease than in healthy populations. Please note: this variant was assessed in the context of healthy population screening.

Fulgent Genetics
Classification: Likely pathogenic for Bardet-Biedl syndrome 1. Last evaluated: 2024-06-18. Review status: criteria provided, single submitter. Criteria: ACMG Guidelines, 2015. Collection method: clinical testing. Allele origin: germline.

CeGaT Center for Human Genetics Tuebingen
Classification: Likely pathogenic. Last evaluated: 2024-02-01. Review status: criteria provided, single submitter. Criteria: CeGaT Center For Human Genetics Tuebingen Variant Classification Criteria Version 2. Collection method: clinical testing. Allele origin: germline. Affected: yes. Observed: 2 variant alleles.
Comment: BBS1: PM3:Strong, PM2

Blueprint Genetics
Classification: Pathogenic for BBS1-related disorders. Last evaluated: 2020-09-24. Review status: criteria provided, single submitter. Criteria: ACMG Guidelines, 2015. Collection method: clinical testing. Allele origin: germline. Affected: yes. Observed: 5 variant alleles.

Institute of Human Genetics, Univ. Regensburg, Univ. Regensburg
Classification: Likely pathogenic for Retinal dystrophy. Last evaluated: 2018-01-01. Review status: criteria provided, single submitter. Criteria: ACMG Guidelines, 2015. Collection method: clinical testing. Allele origin: germline. Affected: yes.

Literature cited by the submitters: PubMed 22773737 (cited by 4 submitters); PubMed 39533427 (cited by Natera, Inc.); PubMed 39462066 (cited by Natera, Inc.); PubMed 36460718 (cited by Women's Health and Genetics/Laboratory Corporation of America, LabCorp and Institute of Human Genetics, Univ. Regensburg, Univ. Regensburg); PubMed 37734845 (cited by Women's Health and Genetics/Laboratory Corporation of America, LabCorp); PubMed 34906171 (cited by Women's Health and Genetics/Laboratory Corporation of America, LabCorp and Institute of Human Genetics, Univ. Regensburg, Univ. Regensburg); PubMed 31964843 (cited by Institute of Human Genetics, Univ. Regensburg, Univ. Regensburg).

NM_024649.5(BBS1):c.670G>A (p.Glu224Lys)

Gene: BBS1 (Bardet-Biedl syndrome 1; plus strand). Cytogenetic location: 11q13.2.
Variant type: single nucleotide variant.
Coding change: c.670G>A on transcript NM_024649.5 (MANE Select); coding-DNA position 670, G replaced by A.
Protein change: p.Glu224Lys; replaces glutamic acid 224 with lysine.
Molecular consequence: missense variant.
Genome position (GRCh38, 1-based): chr11:66,519,695, G>A. VCF-style: chr11-66519695-G-A. GRCh37 (hg19) VCF-style: chr11-66287166-G-A.
Other names: short protein forms E224K.
Identifiers: ClinVar variation 35753 (VCV000035753.56), dbSNP rs193922709, ClinGen allele CA260179.
Genomic context (GRCh38, chr11:66,519,695, plus strand): 5'-ACCACCTTGAAGAAGAACCTGGCTGACGAGGATGCTGTGTCTTGCCTGGTGCTGGGCACC[G>A]AGAACAAGGAGCTCCTGGTGCTTGACCCCGAGGCCTTCACCATTTTAGCCAAGGTCAGCG-3'
Protein context (NP_078925.3, residues 214-234): DAVSCLVLGT[Glu224Lys]NKELLVLDPE